The following is an entry in ClinVar:

ClinVar aggregate classification (germline): Pathogenic (1 of 4 stars; one submission).

Conditions:
Pitt-Hopkins syndrome (PTHS). Also called: ENCEPHALOPATHY, SEVERE EPILEPTIC, WITH AUTONOMIC DYSFUNCTION; MENTAL RETARDATION, SYNDROMAL, WITH INTERMITTENT HYPERVENTILATION. Identifiers: Orphanet 2896, MedGen C1970431, MONDO:0012589, OMIM 610954.

Submission:

Labcorp Genetics (formerly Invitae), Labcorp
Classification: Pathogenic for Pitt-Hopkins syndrome. Last evaluated: 2023-10-30. Review status: criteria provided, single submitter. Criteria: Invitae Variant Classification Sherloc (09022015). Collection method: clinical testing. Allele origin: germline.
Comment: This sequence change affects an acceptor splice site in intron 10 of the TCF4 gene. It is expected to disrupt RNA splicing. Variants that disrupt the donor or acceptor splice site typically lead to a loss of protein function (PMID: 16199547), and loss-of-function variants in TCF4 are known to be pathogenic (PMID: 18728071, 22045651). This variant is not present in population databases (gnomAD no frequency). Disruption of this splice site has been observed in individual(s) with clinical features of Pitt-Hopkins syndrome (Invitae). In at least one individual the variant was observed to be de novo. ClinVar contains an entry for this variant (Variation ID: 1515261). Algorithms developed to predict the effect of sequence changes on RNA splicing suggest that this variant may disrupt the consensus splice site. For these reasons, this variant has been classified as Pathogenic.

Literature cited by the submitters: PubMed 16199547; PubMed 18728071; PubMed 22045651.

NM_001083962.2(TCF4):c.790-1G>A

Genes: TCF4 (transcription factor 4; minus strand), LOC126862757 (CDK7 strongly-dependent group 2 enhancer GRCh37_chr18:52936433-52937632; plus strand). Cytogenetic location: 18q21.2.
Variant type: single nucleotide variant.
Coding change: c.790-1G>A on transcript NM_001083962.2 (MANE Select); the canonical splice acceptor site of the intron before coding-DNA position 790, G replaced by A.
Molecular consequence: splice acceptor variant.
Genome position (GRCh38, 1-based): chr18:55,269,964, C>T on the plus strand (G>A on the coding strand, the complement: TCF4 is on the minus strand). VCF-style: chr18-55269964-C-T. GRCh37 (hg19) VCF-style: chr18-52937195-C-T.
Other names: c.577-1G>A (NM_001243232.1, NM_001306208.1); c.1096-1G>A (NM_001243226.3); c.715-1G>A (NM_001369584.1, NM_001369576.1, NM_001369585.1 and 3 more transcripts); c.718-1G>A (NM_001369577.1, NM_001369582.1, NM_001243227.2 and 9 more transcripts); c.790-1G>A (NM_001369571.1, NM_001369567.1, NM_001369572.1 and 4 more transcripts); c.808-1G>A (NM_001243228.2); c.784-1G>A (NM_001243230.2); c.787-1G>A (NM_001369569.1, NM_001369573.1, NM_001369570.1); and 4 more.
Identifiers: ClinVar variation 1515261 (VCV001515261.8), dbSNP rs2145958521, ClinGen allele CA402701375.